The following is an entry in ClinVar:

NM_024757.5(EHMT1):c.1319C>T (p.Pro440Leu)

Gene: EHMT1 (euchromatic histone lysine methyltransferase 1; plus strand). Cytogenetic location: 9q34.3.
Variant type: single nucleotide variant.
Coding change: c.1319C>T on transcript NM_024757.5 (MANE Select); coding-DNA position 1319, C replaced by T.
Protein change: p.Pro440Leu; replaces proline 440 with leucine.
Molecular consequence: missense variant.
Genome position (GRCh38, 1-based): chr9:137,754,241, C>T. VCF-style: chr9-137754241-C-T. GRCh37 (hg19) VCF-style: chr9-140648693-C-T.
Other names: c.1319C>T, p.Pro440Leu (NM_001145527.2, NM_001354611.2); c.1226C>T, p.Pro409Leu (NM_001354259.2, NM_001354612.2); c.1298C>T, p.Pro433Leu (NM_001354263.2); short protein forms P440L, P409L, P433L.
Identifiers: ClinVar variation 1031403 (VCV001031403.8), dbSNP rs146814571, ClinGen allele CA5374573.

ClinVar aggregate classification (germline): Conflicting classifications of pathogenicity. Review status: criteria provided, conflicting classifications (1 of 4 stars). 3 submissions from 3 submitters: Uncertain significance (2); Benign (1). Last evaluated 2026-04-02.

Conditions:
Kleefstra syndrome 1 (KLEFS1). Identifiers: Orphanet 261494, MedGen C0795833, MONDO:0027407, OMIM 610253.

Allele frequency attached by ClinVar (database versions not stated): gnomAD 0.00002; ESP Exome Variant Server 0.00015; gnomAD exomes 0.00001; TOPMed 0.00003; ExAC 0.00002.
gnomAD v4.1: 11 of 1,613,980 alleles (0.00068%); highest among the groups gnomAD compares: African/African-American, 0.004%; no homozygotes.

Submissions (3):

GeneDx
Classification: Uncertain significance. Last evaluated: 2026-04-02. Review status: criteria provided, single submitter. Criteria: GeneDx Variant Classification Process June 2021. Collection method: clinical testing. Allele origin: germline.
Comment: In silico analysis supports that this missense variant has a deleterious effect on protein structure/function; Has not been previously published as pathogenic or benign to our knowledge

Labcorp Genetics (formerly Invitae), Labcorp
Classification: Benign for Kleefstra syndrome 1. Last evaluated: 2025-09-10. Review status: criteria provided, single submitter. Criteria: Invitae Variant Classification Sherloc (09022015). Collection method: clinical testing. Allele origin: germline.

Baylor Genetics
Classification: Uncertain significance for Kleefstra syndrome 1. Last evaluated: 2018-08-06. Review status: criteria provided, single submitter. Criteria: ACMG Guidelines, 2015. Collection method: clinical testing. Allele origin: paternal. Affected: yes.
Comment: This variant was determined to be of uncertain significance according to ACMG Guidelines, 2015 [PMID:25741868].